The following is an entry in ClinVar:

NM_007294.4(BRCA1):c.5278-5T>A

Gene: BRCA1 (BRCA1 DNA repair associated; minus strand). Cytogenetic location: 17q21.31.
Variant type: single nucleotide variant.
Coding change: c.5278-5T>A on transcript NM_007294.4 (MANE Select); 5 bases into the intron before coding-DNA position 5278, T replaced by A.
Molecular consequence: intron variant.
Genome position (GRCh38, 1-based): chr17:43,051,122, A>T on the plus strand (T>A on the coding strand, the complement: BRCA1 is on the minus strand). VCF-style: chr17-43051122-A-T. GRCh37 (hg19) VCF-style: chr17-41203139-A-T.
Other names: c.1825-5T>A (NM_001408458.1, NM_001408461.1, NM_001408464.1 and 7 more transcripts); c.4387-5T>A (NM_001407967.1); c.4897-5T>A (NM_001407959.1); c.5011-5T>A (NM_001407931.1, NM_001407932.1, NM_001407928.1 and 4 more transcripts); c.5134-5T>A (NM_001407747.1, NM_001407745.1, NM_001407737.1 and 21 more transcripts); c.4894-5T>A (NM_001407962.1, NM_001407960.1); c.1465-5T>A (NM_001408512.1); c.1588-5T>A (NM_001408510.1); and 74 more.
Identifiers: ClinVar variation 867334 (VCV000867334.3), dbSNP rs2051216016, ClinGen allele CA916081053.

Conditions:
Breast-ovarian cancer, familial, susceptibility to, 1 (BROVCA1). Also called: BRCA1 Hereditary Breast and Ovarian Cancer; OVARIAN CANCER, SUSCEPTIBILITY TO. Identifiers: Orphanet 145, MedGen C2676676, MONDO:0011450, OMIM 604370. Disease mechanism: loss of function.

Submission:

Brotman Baty Institute, University of Washington
No classification provided (evidence only). Condition: Breast-ovarian cancer, familial 1. Review status: no classification provided. Collection method: in vitro. Allele origin: not applicable. Functional consequence: functionally_normal.
ClinVar note: "not provided" was previously submitted as the classification for the variant. However, the classification appeared to be based only on an observation of functional data so it was converted to no classification on 2025-07-30.